The following is an entry in ClinVar:

ClinVar aggregate classification (germline): Uncertain significance (1 of 4 stars; one submission).

Conditions:
Periodontitis, aggressive. Identifiers: MedGen C0031106, MONDO:0980757.
Haim-Munk syndrome (HMS). Also called: COCHIN JEWISH DISORDER; KERATOSIS PALMOPLANTARIS WITH PERIODONTOPATHIA AND ONYCHOGRYPOSIS. Identifiers: Orphanet 2342, MedGen C1855627, MONDO:0009491, OMIM 245010.
Papillon-Lefèvre syndrome (PALS). Also called: KERATOSIS PALMOPLANTARIS WITH PERIODONTOPATHIA; Papillon-Lefevre Disease. Identifiers: Orphanet 678, MedGen C0030360, MONDO:0009490, OMIM 245000.

Allele frequency attached by ClinVar (database versions not stated): ExAC 0.00002; gnomAD 0.00007; TOPMed 0.00007; ESP Exome Variant Server 0.00008.
gnomAD v4.1: 20 of 1,614,004 alleles (0.0012%); highest among the groups gnomAD compares: African/African-American, 0.027%; no homozygotes.

Submission:

Labcorp Genetics (formerly Invitae), Labcorp
Classification: Uncertain significance for Haim-Munk syndrome; Periodontitis, aggressive; Papillon-Lefèvre syndrome. Last evaluated: 2022-05-06. Review status: criteria provided, single submitter. Criteria: Invitae Variant Classification Sherloc (09022015). Collection method: clinical testing. Allele origin: germline.
Comment: This sequence change replaces glycine, which is neutral and non-polar, with arginine, which is basic and polar, at codon 143 of the CTSC protein (p.Gly143Arg). This variant is present in population databases (rs374022619, gnomAD 0.03%). This variant has not been reported in the literature in individuals affected with CTSC-related conditions. Algorithms developed to predict the effect of missense changes on protein structure and function are either unavailable or do not agree on the potential impact of this missense change (SIFT: "Not Available"; PolyPhen-2: "Benign"; Align-GVGD: "Not Available"). In summary, the available evidence is currently insufficient to determine the role of this variant in disease. Therefore, it has been classified as a Variant of Uncertain Significance.

NM_001814.6(CTSC):c.427G>C (p.Gly143Arg)

Gene: CTSC (cathepsin C; minus strand). Cytogenetic location: 11q14.2.
Variant type: single nucleotide variant.
Coding change: c.427G>C on transcript NM_001814.6 (MANE Select); coding-DNA position 427, G replaced by C.
Protein change: p.Gly143Arg; replaces glycine 143 with arginine.
Molecular consequence: missense variant.
Genome position (GRCh38, 1-based): chr11:88,312,446, C>G on the plus strand (G>C on the coding strand, the complement: CTSC is on the minus strand). VCF-style: chr11-88312446-C-G. GRCh37 (hg19) VCF-style: chr11-88045614-C-G.
Other names: short protein forms G143R.
Identifiers: ClinVar variation 2415080 (VCV002415080.3), dbSNP rs374022619, ClinGen allele CA6219960.